The following is an entry in ClinVar:

NM_004281.4(BAG3):c.977G>T (p.Gly326Val)

Gene: BAG3 (BAG cochaperone 3; plus strand). Cytogenetic location: 10q26.11.
Variant type: single nucleotide variant.
Coding change: c.977G>T on transcript NM_004281.4 (MANE Select); coding-DNA position 977, G replaced by T.
Protein change: p.Gly326Val; replaces glycine 326 with valine.
Molecular consequence: missense variant.
Genome position (GRCh38, 1-based): chr10:119,676,531, G>T. VCF-style: chr10-119676531-G-T. GRCh37 (hg19) VCF-style: chr10-121436043-G-T.
Other names: short protein forms G326V.
Identifiers: ClinVar variation 3756747 (VCV003756747.3).
Genomic context (GRCh38, chr10:119,676,531, plus strand): 5'-TGACCCATCGAGAAACTGCACCTGTTTCCCAGCCTGAAAACAAACCAGAAAGTAAGCCAG[G>T]CCCAGTTGGACCAGAACTCCCTCCTGGACACATCCCAATTCAAGTGATCCGCAAAGAGGT-3'
Protein context (NP_004272.2, residues 316-336): QPENKPESKP[Gly326Val]PVGPELPPGH

ClinVar aggregate classification (germline): Uncertain significance. Review status: criteria provided, multiple submitters, no conflicts (2 of 4 stars). 2 submissions from 2 submitters: Uncertain significance (2). Last evaluated 2026-04-22.

Conditions:
Cardiovascular phenotype. Identifiers: MedGen CN230736.
Dilated cardiomyopathy 1HH (CMD1HH). Identifiers: Orphanet 154, MedGen C3151293, MONDO:0013479, OMIM 613881.
Myofibrillar myopathy 6. Identifiers: Orphanet 199340, MedGen C2751831, MONDO:0013061, OMIM 612954.

gnomAD v4.1: 1 of 1,613,692 alleles (0.000062%); highest among the groups gnomAD compares: Non-Finnish European, 0.000085%; no homozygotes.

Submissions (2):

Ambry Genetics
Classification: Uncertain significance for Cardiovascular phenotype. Last evaluated: 2026-04-22. Review status: criteria provided, single submitter. Criteria: Ambry Variant Classification Scheme 2023. Collection method: clinical testing. Allele origin: germline.

Labcorp Genetics (formerly Invitae), Labcorp
Classification: Uncertain significance for Dilated cardiomyopathy 1HH; Myofibrillar myopathy 6. Last evaluated: 2025-01-26. Review status: criteria provided, single submitter. Criteria: Invitae Variant Classification Sherloc (09022015). Collection method: clinical testing. Allele origin: germline.
Comment: This sequence change replaces glycine, which is neutral and non-polar, with valine, which is neutral and non-polar, at codon 326 of the BAG3 protein (p.Gly326Val). This variant is not present in population databases (gnomAD no frequency). This variant has not been reported in the literature in individuals affected with BAG3-related conditions. Invitae Evidence Modeling of protein sequence and biophysical properties (such as structural, functional, and spatial information, amino acid conservation, physicochemical variation, residue mobility, and thermodynamic stability) indicates that this missense variant is not expected to disrupt BAG3 protein function with a negative predictive value of 80%. In summary, the available evidence is currently insufficient to determine the role of this variant in disease. Therefore, it has been classified as a Variant of Uncertain Significance.